The following is an entry in ClinVar:

ClinVar aggregate classification (germline): Likely benign (1 of 4 stars; one submission).

Allele frequency attached by ClinVar (database versions not stated): gnomAD 0.00001; gnomAD exomes 0.00002; TOPMed 0.00002.

Submission:

Women's Health and Genetics/Laboratory Corporation of America, LabCorp
Classification: Likely benign. Last evaluated: 2023-08-22. Review status: criteria provided, single submitter. Criteria: LabCorp Variant Classification Summary - May 2015. Collection method: clinical testing. Allele origin: germline.
Comment: Variant summary: CD164 c.175+689C>G is located at a position not widely known to affect splicing. One of two in-silico tools predict a benign effect of the variant on protein function. 4/4 computational tools predict no significant impact on normal splicing. However, these predictions have yet to be confirmed by functional studies. The variant was absent in 128390 control chromosomes (gnomAD). The available data on variant occurrences in the general population are insufficient to allow any conclusion about variant significance. To our knowledge, no occurrence of c.175+689C>G in individuals affected with Autosomal Dominant Nonsyndromic Hearing Loss 66 and no experimental evidence demonstrating its impact on protein function have been reported. No submitters have cited clinical-significance assessments for this variant to ClinVar after 2014. Based on the evidence outlined above, the variant was classified as likely benign.

NM_006016.6(CD164):c.175+689C>G

Gene: CD164 (CD164 molecule; minus strand). Cytogenetic location: 6q21.
Variant type: single nucleotide variant.
Coding change: c.175+689C>G on transcript NM_006016.6 (MANE Select); 689 bases into the intron after coding-DNA position 175, C replaced by G.
Molecular consequence: intron variant. On other transcripts: missense variant (1).
Genome position (GRCh38, 1-based): chr6:109,381,515, G>C on the plus strand (C>G on the coding strand, the complement: CD164 is on the minus strand). VCF-style: chr6-109381515-G-C. GRCh37 (hg19) VCF-style: chr6-109702718-G-C.
Other names: c.62C>G, p.Ala21Gly (NM_001346500.2); c.175+689C>G (NM_001142401.3, NM_001142402.3, NM_001142404.3 and 1 more transcripts); short protein forms A21G.
Identifiers: ClinVar variation 2581294 (VCV002581294.1), dbSNP rs1486349483, ClinGen allele CA365199889.
Genomic context (GRCh38, chr6:109,381,515, plus strand): 5'-GTTTACTCATCTCCGTCTCTGCATCTACCTCCTAGGTTTCACTACCTACCTTCCAGTTTA[G>C]CCTTAGGATACGTACGCAAAACACCCGGTACATACATGGGTACTTTTCTTCCTTTTCGCA-3'